The following is an entry in ClinVar:

NM_080611.5(DUSP15):c.294del (p.Ile98fs)

Gene: DUSP15 (dual specificity phosphatase 15; minus strand). Cytogenetic location: 20q11.21.
Variant type: Deletion.
Coding change: c.294del on transcript NM_080611.5 (MANE Select); coding-DNA position 294, one base deleted (T; older notation c.294delT).
Protein change: p.Ile98fs; shifts the reading frame from isoleucine 98.
Molecular consequence: frameshift variant. On other transcripts: 5 prime UTR variant (2).
Genome position (GRCh38, 1-based): chr20:31,862,712, A deleted on the plus strand (T on the coding strand, the reverse complement: DUSP15 is on the minus strand); the first of 2 consecutive A bases (chr20:31,862,712-31,862,713); deleting either gives the same sequence. VCF-style (leftmost placement, unchanged base first): chr20-31862711-CA-C. GRCh37 (hg19) VCF-style: chr20-30450514-CA-C.
Other names: c.-16del (NM_001012644.3, NM_177991.3); c.285del, p.Ile95fs (NM_001320478.1, NM_001320479.1); short protein forms I95fs, I98fs.
Identifiers: ClinVar variation 3236644 (VCV003236644.1), dbSNP rs2515543763, ClinGen allele CA2825002831.
Genomic context (GRCh38, chr20:31,862,711, plus strand): 5'-TGATGGCTTCAAGCACGTCCCGCCAGCCTAGCCCCGTCACAGTCATCACATACGCTGTCA[CA>C]ATCGTGGTGCTGCGAGAGATGCCTGCAAAGCTGGGATCCCCAACAACCCCTCAGGCTTCA-3'

ClinVar aggregate classification (germline): Uncertain significance (1 of 4 stars; one submission).

Submission:

Clinical Genomics Laboratory, Washington University in St. Louis
Classification: Uncertain significance. Last evaluated: 2023-11-07. Review status: criteria provided, single submitter. Criteria: ACMG Guidelines, 2015. Collection method: clinical testing. Allele origin: germline.
Comment: The DUSP15 c.294del (p.Ile98MetfsTer2) variant, to our knowledge, has not been reported in the medical literature and is absent from the general population (gnomAD v.2.1.1), indicating it is not a common variant. This variant causes a frameshift by deleting a single nucleotide, leading to a premature termination codon; however, because this occurs in the penultimate exon, this is not predicted to lead to nonsense mediated decay. Due to limited information, the clinical significance of this variant is uncertain.